The following is an entry in ClinVar:

NM_001395656.1(ROBO2):c.111T>G (p.Pro37=)

Gene: ROBO2 (roundabout guidance receptor 2; plus strand). Cytogenetic location: 3p12.3.
Variant type: single nucleotide variant.
Coding change: c.111T>G on transcript NM_001395656.1 (MANE Select); coding-DNA position 111, T replaced by G.
Protein change: p.Pro37=; no amino-acid change (proline 37 retained).
Molecular consequence: synonymous variant. On other transcripts: 5 prime UTR variant (1).
Genome position (GRCh38, 1-based): chr3:77,098,063, T>G. VCF-style: chr3-77098063-T-G. GRCh37 (hg19) VCF-style: chr3-77147214-T-G.
Other names: c.159T>G, p.Pro53= (NM_001128929.3, NM_001378190.1, NM_001378191.1 and 5 more transcripts); c.111T>G, p.Pro37= (NM_001290039.2, NM_001290040.2, NM_001378193.1 and 3 more transcripts); c.-1808T>G (NM_001290065.2); c.180T>G, p.Pro60= (NM_001378192.1, NM_001378194.1, NM_001378198.1 and 5 more transcripts).
Identifiers: ClinVar variation 3029368 (VCV003029368.2), dbSNP rs1204142845, ClinGen allele CA434623421.

ClinVar aggregate classification (germline): Likely benign (0 of 4 stars; one submission).

Conditions:
ROBO2-related disorder. Also called: ROBO2-related condition.

Allele frequency attached by ClinVar (database versions not stated): gnomAD exomes 0.00001.
gnomAD v4.1: 18 of 1,599,024 alleles (0.0011%); highest among the groups gnomAD compares: Non-Finnish European, 0.0015%; no homozygotes.

Submission:

PreventionGenetics, part of Exact Sciences
Classification: Likely benign for ROBO2-related condition. Last evaluated: 2021-05-07. Review status: no assertion criteria provided. Collection method: clinical testing. Allele origin: germline.
Comment: This variant is classified as likely benign based on ACMG/AMP sequence variant interpretation guidelines (Richards et al. 2015 PMID: 25741868, with internal and published modifications).